The following is an entry in ClinVar:

ClinVar aggregate classification (germline): Uncertain significance (1 of 4 stars; one submission).

Submission:

Labcorp Genetics (formerly Invitae), Labcorp
Classification: Uncertain significance. Last evaluated: 2023-04-07. Review status: criteria provided, single submitter. Criteria: Invitae Variant Classification Sherloc (09022015). Collection method: clinical testing. Allele origin: germline.
Comment: In summary, the available evidence is currently insufficient to determine the role of this variant in disease. Therefore, it has been classified as a Variant of Uncertain Significance. Advanced modeling of protein sequence and biophysical properties (such as structural, functional, and spatial information, amino acid conservation, physicochemical variation, residue mobility, and thermodynamic stability) performed at Invitae indicates that this missense variant is not expected to disrupt PRPF8 protein function. ClinVar contains an entry for this variant (Variation ID: 1973492). This variant has not been reported in the literature in individuals affected with PRPF8-related conditions. This variant is not present in population databases (gnomAD no frequency). This sequence change replaces serine, which is neutral and polar, with cysteine, which is neutral and slightly polar, at codon 1634 of the PRPF8 protein (p.Ser1634Cys).

NM_006445.4(PRPF8):c.4901C>G (p.Ser1634Cys)

Gene: PRPF8 (pre-mRNA processing factor 8; minus strand). Cytogenetic location: 17p13.3.
Variant type: single nucleotide variant.
Coding change: c.4901C>G on transcript NM_006445.4 (MANE Select); coding-DNA position 4901, C replaced by G.
Protein change: p.Ser1634Cys; replaces serine 1634 with cysteine.
Molecular consequence: missense variant.
Genome position (GRCh38, 1-based): chr17:1,659,886, G>C on the plus strand (C>G on the coding strand, the complement: PRPF8 is on the minus strand). VCF-style: chr17-1659886-G-C. GRCh37 (hg19) VCF-style: chr17-1563180-G-C.
Other names: short protein forms S1634C.
Identifiers: ClinVar variation 1973492 (VCV001973492.5), dbSNP rs2151115488, ClinGen allele CA397574514.
Genomic context (GRCh38, chr17:1,659,886, plus strand): 5'-TCCTGAGGCACTTACTTGGAGTCAGCCAGCAATGAGGGCCGGGAGACATTCCACTTATAG[G>C]AGGCAAAGAGCAGGATATCTGCACAGGAAGAGTTCATCTTATATGACTTTCGGGGATGGA-3'
Protein context (NP_006436.3, residues 1624-1644): SSCADILLFA[Ser1634Cys]YKWNVSRPSL